The following is an entry in ClinVar:

NM_000059.4(BRCA2):c.5209G>T (p.Asp1737Tyr)

Gene: BRCA2 (BRCA2 DNA repair associated; plus strand). Cytogenetic location: 13q13.1.
Variant type: single nucleotide variant.
Coding change: c.5209G>T on transcript NM_000059.4 (MANE Select); coding-DNA position 5209, G replaced by T.
Protein change: p.Asp1737Tyr; replaces aspartic acid 1737 with tyrosine.
Molecular consequence: missense variant.
Genome position (GRCh38, 1-based): chr13:32,339,564, G>T. VCF-style: chr13-32339564-G-T. GRCh37 (hg19) VCF-style: chr13-32913701-G-T.
Other names: short protein forms D1737Y.
Identifiers: ClinVar variation 489764 (VCV000489764.9), dbSNP rs1555284106, ClinGen allele CA387784612.

ClinVar aggregate classification (germline): Conflicting classifications of pathogenicity. Review status: criteria provided, conflicting classifications (1 of 4 stars). 3 submissions from 3 submitters: Uncertain significance (2); Likely benign (1). Last evaluated 2023-12-05.

Conditions:
Hereditary cancer-predisposing syndrome. Also called: Hereditary Cancer Syndrome; Neoplastic Syndromes, Hereditary; Tumor predisposition; Hereditary neoplastic syndrome. Identifiers: Orphanet 140162, MedGen C0027672, MeSH D009386, MONDO:0015356.

Submissions (3):

Color Diagnostics, LLC DBA Color Health
Classification: Uncertain significance for Hereditary cancer-predisposing syndrome. Last evaluated: 2023-12-05. Review status: criteria provided, single submitter. Criteria: ACMG Guidelines, 2015. Collection method: clinical testing. Allele origin: germline.
Comment: This missense variant replaces aspartic acid with tyrosine at codon 1737 of the BRCA2 protein. Computational prediction suggests that this variant may not impact protein structure and function (internally defined REVEL score threshold <= 0.5, PMID: 27666373). To our knowledge, functional studies have not been reported for this variant. This variant has not been reported in individuals affected with BRCA2-related disorders in the literature. This variant has not been identified in the general population by the Genome Aggregation Database (gnomAD). The available evidence is insufficient to determine the role of this variant in disease conclusively. Therefore, this variant is classified as a Variant of Uncertain Significance.

University of Washington Department of Laboratory Medicine, University of Washington
Classification: Likely benign for Hereditary cancer-predisposing syndrome. Last evaluated: 2023-03-23. Review status: criteria provided, single submitter. Criteria: Dines et al. (Genet Med. 2020). Collection method: curation. Allele origin: germline.
Comment: Missense variant in a coldspot region where missense variants are very unlikely to be pathogenic (PMID:31911673).

BRCA2 exon 11 coldspot. Reclassification based on statistical prior probability.

Ambry Genetics
Classification: Uncertain significance for Hereditary cancer-predisposing syndrome. Last evaluated: 2021-05-17. Review status: criteria provided, single submitter. Criteria: Ambry Variant Classification Scheme 2023. Collection method: clinical testing. Allele origin: germline.